The following is an entry in ClinVar:

ClinVar aggregate classification (germline): Benign/Likely benign. Review status: criteria provided, multiple submitters, no conflicts (2 of 4 stars). 3 submissions from 3 submitters: Benign (1); Likely benign (2). Last evaluated 2025-09-16.

Conditions:
KIF11-related disorder. Also called: KIF11-related condition.

Allele frequency attached by ClinVar (database versions not stated): gnomAD 0.00012; ExAC 0.00014; TOPMed 0.00014; gnomAD exomes 0.00015; ESP Exome Variant Server 0.00023.
gnomAD v4.1: 109 of 1,596,486 alleles (0.0068%); highest among the groups gnomAD compares: Admixed American, 0.01%; no homozygotes.

Submissions (3):

Labcorp Genetics (formerly Invitae), Labcorp
Classification: Benign. Last evaluated: 2025-09-16. Review status: criteria provided, single submitter. Criteria: Invitae Variant Classification Sherloc (09022015). Collection method: clinical testing. Allele origin: germline.

PreventionGenetics, part of Exact Sciences
Classification: Likely benign for KIF11-related condition. Last evaluated: 2024-10-09. Review status: criteria provided, single submitter. Criteria: ACMG Guidelines, 2015. Collection method: clinical testing. Allele origin: germline.
Comment: This variant is classified as likely benign based on ACMG/AMP sequence variant interpretation guidelines (Richards et al. 2015 PMID: 25741868, with internal and published modifications).

Blueprint Genetics
Classification: Likely benign. Last evaluated: 2021-08-26. Review status: criteria provided, single submitter. Criteria: ACMG Guidelines, 2015. Collection method: clinical testing. Allele origin: germline.

NM_004523.4(KIF11):c.1284T>A (p.Ala428=)

Gene: KIF11 (kinesin family member 11; plus strand). Cytogenetic location: 10q23.33.
Variant type: single nucleotide variant.
Coding change: c.1284T>A on transcript NM_004523.4 (MANE Select); coding-DNA position 1284, T replaced by A.
Protein change: p.Ala428=; no amino-acid change (alanine 428 retained).
Molecular consequence: synonymous variant.
Genome position (GRCh38, 1-based): chr10:92,628,874, T>A. VCF-style: chr10-92628874-T-A. GRCh37 (hg19) VCF-style: chr10-94388631-T-A.
Other names: c.1284T>A (NM_004523.3).
Identifiers: ClinVar variation 1629573 (VCV001629573.10), dbSNP rs145117607, ClinGen allele CA5604165.